The following is an entry in ClinVar:

ClinVar aggregate classification (germline): Likely benign (0 of 4 stars; one submission).

Conditions:
CTNNA2-related disorder. Also called: CTNNA2-related condition.

Allele frequency attached by ClinVar (database versions not stated): TOPMed 0.00002; ExAC 0.00003; gnomAD 0.00003; gnomAD exomes 0.00005.
gnomAD v4.1: 81 of 1,614,036 alleles (0.005%); highest among the groups gnomAD compares: African/African-American, 0.008%; no homozygotes.

Submission:

PreventionGenetics, part of Exact Sciences
Classification: Likely benign for CTNNA2-related condition. Last evaluated: 2019-02-27. Review status: no assertion criteria provided. Collection method: clinical testing. Allele origin: germline.
Comment: This variant is classified as likely benign based on ACMG/AMP sequence variant interpretation guidelines (Richards et al. 2015 PMID: 25741868, with internal and published modifications).

NM_001282597.3(CTNNA2):c.360C>T (p.Arg120=)

Gene: CTNNA2 (catenin alpha 2; plus strand). Cytogenetic location: 2p12.
Variant type: single nucleotide variant.
Coding change: c.360C>T on transcript NM_001282597.3 (MANE Select); coding-DNA position 360, C replaced by T.
Protein change: p.Arg120=; no amino-acid change (arginine 120 retained).
Molecular consequence: synonymous variant.
Genome position (GRCh38, 1-based): chr2:79,858,074, C>T. VCF-style: chr2-79858074-C-T. GRCh37 (hg19) VCF-style: chr2-80085200-C-T.
Other names: c.360C>T, p.Arg120= (NM_001164883.2, NM_001399737.1, NM_004389.4); c.462C>T, p.Arg154= (NM_001282598.2).
Identifiers: ClinVar variation 3053368 (VCV003053368.2), dbSNP rs757501950, ClinGen allele CA1735019.